The following is an entry in ClinVar:

NM_181078.3(IL21R):c.1463A>G (p.Asp488Gly)

Genes: IL21R (interleukin 21 receptor; plus strand), IL21R-AS1 (IL21R antisense RNA 1; minus strand), LOC130058713 (ATAC-STARR-seq lymphoblastoid active region 10627; plus strand). Cytogenetic location: 16p12.1.
Variant type: single nucleotide variant.
Coding change: c.1463A>G on transcript NM_181078.3 (MANE Select); coding-DNA position 1463, A replaced by G.
Protein change: p.Asp488Gly; replaces aspartic acid 488 with glycine.
Molecular consequence: missense variant. On other transcripts: non-coding transcript variant (1).
Genome position (GRCh38, 1-based): chr16:27,449,129, A>G. VCF-style: chr16-27449129-A-G. GRCh37 (hg19) VCF-style: chr16-27460450-A-G.
Other names: c.1463A>G, p.Asp488Gly (NM_021798.4); c.1529A>G, p.Asp510Gly (NM_181079.5); short protein forms D510G, D488G.
Identifiers: ClinVar variation 1978653 (VCV001978653.3), dbSNP rs2543390461, ClinGen allele CA395308874.

ClinVar aggregate classification (germline): Uncertain significance (1 of 4 stars; one submission).

Conditions:
Cryptosporidiosis-chronic cholangitis-liver disease syndrome. Also called: IL21R immunodeficiency; Immunodeficiency type 56. Identifiers: Orphanet 357329, MedGen C3554687, MONDO:0014082, OMIM 615207.

Submission:

Labcorp Genetics (formerly Invitae), Labcorp
Classification: Uncertain significance for Cryptosporidiosis-chronic cholangitis-liver disease syndrome. Last evaluated: 2024-06-24. Review status: criteria provided, single submitter. Criteria: Invitae Variant Classification Sherloc (09022015). Collection method: clinical testing. Allele origin: germline.
Comment: This sequence change replaces aspartic acid, which is acidic and polar, with glycine, which is neutral and non-polar, at codon 488 of the IL21R protein (p.Asp488Gly). This variant is not present in population databases (gnomAD no frequency). This variant has not been reported in the literature in individuals affected with IL21R-related conditions. ClinVar contains an entry for this variant (Variation ID: 1978653). Advanced modeling of protein sequence and biophysical properties (such as structural, functional, and spatial information, amino acid conservation, physicochemical variation, residue mobility, and thermodynamic stability) performed at Invitae indicates that this missense variant is expected to disrupt IL21R protein function with a positive predictive value of 80%. In summary, the available evidence is currently insufficient to determine the role of this variant in disease. Therefore, it has been classified as a Variant of Uncertain Significance.